The following is an entry in ClinVar:

ClinVar aggregate classification (germline): Uncertain significance. Review status: criteria provided, multiple submitters, no conflicts (2 of 4 stars). 2 submissions from 2 submitters: Uncertain significance (2). Last evaluated 2024-08-29.

Conditions:
KDM4B-related disorder. Also called: KDM4B-related condition.
Inborn genetic diseases. Identifiers: MedGen C0950123, MeSH D030342.

Allele frequency attached by ClinVar (database versions not stated): TOPMed 0.00001.
gnomAD v4.1: 6 of 1,580,684 alleles (0.00038%); highest among the groups gnomAD compares: Non-Finnish European, 0.00051%; no homozygotes.

Submissions (2):

Ambry Genetics
Classification: Uncertain significance for Inborn genetic diseases. Last evaluated: 2024-08-29. Review status: criteria provided, single submitter. Criteria: Ambry Variant Classification Scheme 2023. Collection method: clinical testing. Allele origin: germline.

PreventionGenetics, part of Exact Sciences
Classification: Uncertain significance for KDM4B-related condition. Last evaluated: 2023-07-11. Review status: criteria provided, single submitter. Criteria: ACMG Guidelines, 2015. Collection method: clinical testing. Allele origin: germline.
Comment: The KDM4B c.3188T>C variant is predicted to result in the amino acid substitution p.Val1063Ala. To our knowledge, this variant has not been reported in the literature or in a large population database, indicating this variant is rare. At this time, the clinical significance of this variant is uncertain due to the absence of conclusive functional and genetic evidence.

NM_015015.3(KDM4B):c.3188T>C (p.Val1063Ala)

Gene: KDM4B (lysine demethylase 4B; plus strand). Cytogenetic location: 19p13.3.
Variant type: single nucleotide variant.
Coding change: c.3188T>C on transcript NM_015015.3 (MANE Select); coding-DNA position 3188, T replaced by C.
Protein change: p.Val1063Ala; replaces valine 1063 with alanine.
Molecular consequence: missense variant.
Genome position (GRCh38, 1-based): chr19:5,151,408, T>C. VCF-style: chr19-5151408-T-C. GRCh37 (hg19) VCF-style: chr19-5151419-T-C.
Other names: c.3290T>C, p.Val1097Ala (NM_001411148.1); short protein forms V1063A, V1097A.
Identifiers: ClinVar variation 2637399 (VCV002637399.2), dbSNP rs960371558, ClinGen allele CA304593966.